The following is an entry in ClinVar:

NM_002637.4(PHKA1):c.2498T>G (p.Leu833Ter)

Gene: PHKA1 (phosphorylase kinase regulatory subunit alpha 1; minus strand). Cytogenetic location: Xq13.1.
Variant type: single nucleotide variant.
Coding change: c.2498T>G on transcript NM_002637.4 (MANE Select); coding-DNA position 2498, T replaced by G.
Protein change: p.Leu833Ter; replaces leucine 833 with a stop codon.
Molecular consequence: nonsense.
Genome position (GRCh38, 1-based): chrX:72,611,056, A>C on the plus strand (T>G on the coding strand, the complement: PHKA1 is on the minus strand). VCF-style: chrX-72611056-A-C. GRCh37 (hg19) VCF-style: chrX-71830906-A-C.
Other names: c.2498T>G, p.Leu833Ter (NM_001122670.2, NM_001431068.1, NM_001440787.1); c.2321T>G, p.Leu774Ter (NM_001172436.2, NM_001440788.1); short protein forms L774*, L833*.
Identifiers: ClinVar variation 4795925 (VCV004795925.1).

ClinVar aggregate classification (germline): Likely pathogenic (1 of 4 stars; one submission).

Conditions:
Glycogen storage disease IXd (GSD9D). Also called: GSD IXd; Muscle Phosphorylase Kinase Deficiency. Identifiers: Orphanet 715, MedGen C1845151, MONDO:0010362, OMIM 300559.

Submission:

Variantyx, Inc.
Classification: Likely pathogenic for Glycogen storage disease IXd. Last evaluated: 2025-09-17. Review status: criteria provided, single submitter. Criteria: Variantyx Assertion Criteria 2022. Collection method: clinical testing. Allele origin: maternal. Inheritance: X-linked recessive inheritance.
Comment: This is a nonsense variant in the PHKA1 gene (OMIM: 311870). Pathogenic variants in this gene have been associated with X-linked muscle glycogenosis. This variant introduces a premature termination codon in exon 22 out of 32 and is expected to result in loss of function, which is a known disease mechanism for PHKA1 in this disorder (PMID: 15637709, 9731190, 28600779) (PVS1). This variant is absent from control populations (PM2). Based on the current evidence, this variant is classified as likely pathogenic for X-linked muscle glycogenosis.

Literature cited by the submitters: PubMed 15637709; PubMed 9731190; PubMed 28600779.